The following is an entry in ClinVar:

ClinVar aggregate classification (germline): Conflicting classifications of pathogenicity. Review status: criteria provided, conflicting classifications (1 of 4 stars). 2 submissions from 2 submitters: Uncertain significance (1); Likely benign (1). Last evaluated 2023-03-23.

Conditions:
Hereditary cancer-predisposing syndrome. Also called: Tumor predisposition; Hereditary Cancer Syndrome; Neoplastic Syndromes, Hereditary; Hereditary neoplastic syndrome. Identifiers: Orphanet 140162, MedGen C0027672, MeSH D009386, MONDO:0015356.

Submissions (2):

University of Washington Department of Laboratory Medicine, University of Washington
Classification: Likely benign for Hereditary cancer-predisposing syndrome. Last evaluated: 2023-03-23. Review status: criteria provided, single submitter. Criteria: Dines et al. (Genet Med. 2020). Collection method: curation. Allele origin: germline.
Comment: Missense variant in a coldspot region where missense variants are very unlikely to be pathogenic (PMID:31911673).

BRCA2 exon 11 coldspot. Reclassification based on statistical prior probability.

Ambry Genetics
Classification: Uncertain significance for Hereditary cancer-predisposing syndrome. Last evaluated: 2021-12-02. Review status: criteria provided, single submitter. Criteria: Ambry Variant Classification Scheme 2023. Collection method: clinical testing. Allele origin: germline.
Comment: The p.V849G variant (also known as c.2546T>G), located in coding exon 10 of the BRCA2 gene, results from a T to G substitution at nucleotide position 2546. The valine at codon 849 is replaced by glycine, an amino acid with dissimilar properties. This amino acid position is conserved. In addition, this alteration is predicted to be tolerated by in silico analysis. Since supporting evidence is limited at this time, the clinical significance of this alteration remains unclear.

NM_000059.4(BRCA2):c.2546T>G (p.Val849Gly)

Gene: BRCA2 (BRCA2 DNA repair associated; plus strand). Cytogenetic location: 13q13.1.
Variant type: single nucleotide variant.
Coding change: c.2546T>G on transcript NM_000059.4 (MANE Select); coding-DNA position 2546, T replaced by G.
Protein change: p.Val849Gly; replaces valine 849 with glycine.
Molecular consequence: missense variant.
Genome position (GRCh38, 1-based): chr13:32,336,901, T>G. VCF-style: chr13-32336901-T-G. GRCh37 (hg19) VCF-style: chr13-32911038-T-G.
Other names: c.2546T>G, p.Val849Gly (NM_001406719.1, NM_001406720.1); short protein forms V849G.
Identifiers: ClinVar variation 1792887 (VCV001792887.4), dbSNP rs1288644511, ClinGen allele CA387772513.